The following is an entry in ClinVar:

ClinVar aggregate classification (germline): Uncertain significance. Review status: criteria provided, multiple submitters, no conflicts (2 of 4 stars). 4 submissions from 3 submitters: Uncertain significance (3). 1 of the submissions does not count toward it. Last evaluated 2025-02-03.

Conditions:
Retinitis pigmentosa 39 (RP39). Identifiers: Orphanet 791, MedGen C3151138, MONDO:0013436, OMIM 613809.
Usher syndrome type 2A. Also called: USHER SYNDROME, TYPE IIA; RETINAL DISEASE IN USHER SYNDROME TYPE IIA, MODIFIER OF. Identifiers: Orphanet 231178, Orphanet 886, MedGen C1848634, MONDO:0010169, OMIM 276901.

Allele frequency attached by ClinVar (database versions not stated): gnomAD exomes below 0.00001; gnomAD 0.00001.
gnomAD v4.1: 16 of 1,613,820 alleles (0.00099%); highest among the groups gnomAD compares: African/African-American, 0.0013%; no homozygotes.

Submissions (4):

Labcorp Genetics (formerly Invitae), Labcorp
Classification: Uncertain significance. Last evaluated: 2025-02-03. Review status: criteria provided, single submitter. Criteria: Invitae Variant Classification Sherloc (09022015). Collection method: clinical testing. Allele origin: germline.
Comment: This sequence change replaces arginine, which is basic and polar, with glutamine, which is neutral and polar, at codon 2723 of the USH2A protein (p.Arg2723Gln). The frequency data for this variant in the population databases is considered unreliable, as metrics indicate poor data quality at this position in the gnomAD database. This variant has not been reported in the literature in individuals affected with USH2A-related conditions. ClinVar contains an entry for this variant (Variation ID: 73559). Invitae Evidence Modeling of protein sequence and biophysical properties (such as structural, functional, and spatial information, amino acid conservation, physicochemical variation, residue mobility, and thermodynamic stability) indicates that this missense variant is not expected to disrupt USH2A protein function with a negative predictive value of 95%. In summary, the available evidence is currently insufficient to determine the role of this variant in disease. Therefore, it has been classified as a Variant of Uncertain Significance.

Genome-Nilou Lab
Classification: Uncertain significance for Retinitis pigmentosa 39. Last evaluated: 2023-11-04. Review status: criteria provided, single submitter. Criteria: ACMG Guidelines, 2015. Collection method: clinical testing. Allele origin: germline. Affected: no.

Genome-Nilou Lab
Classification: Uncertain significance for Usher syndrome type 2A. Last evaluated: 2023-11-04. Review status: criteria provided, single submitter. Criteria: ACMG Guidelines, 2015. Collection method: clinical testing. Allele origin: germline. Affected: no.

Counsyl
Classification: Uncertain significance for Usher syndrome type 2A; Retinitis pigmentosa 39. Last evaluated: 2017-03-22. Review status: no assertion criteria provided. Collection method: clinical testing. Allele origin: unknown. Not counted in ClinVar's aggregate classification.

NM_206933.4(USH2A):c.8168G>A (p.Arg2723Gln)

Gene: USH2A (usherin; minus strand). Cytogenetic location: 1q41.
Variant type: single nucleotide variant.
Coding change: c.8168G>A on transcript NM_206933.4 (MANE Select); coding-DNA position 8168, G replaced by A.
Protein change: p.Arg2723Gln; replaces arginine 2723 with glutamine.
Molecular consequence: missense variant.
Genome position (GRCh38, 1-based): chr1:215,888,481, C>T on the plus strand (G>A on the coding strand, the complement: USH2A is on the minus strand). VCF-style: chr1-215888481-C-T. GRCh37 (hg19) VCF-style: chr1-216061823-C-T.
Other names: short protein forms R2723Q.
Identifiers: ClinVar variation 73559 (VCV000073559.5), dbSNP rs267598376, ClinGen allele CA37442176.